The following is an entry in ClinVar:

NM_001134363.3(RBM20):c.1880+6G>T

Gene: RBM20 (RNA binding motif protein 20; plus strand). Cytogenetic location: 10q25.2.
Variant type: single nucleotide variant.
Coding change: c.1880+6G>T on transcript NM_001134363.3 (MANE Select); 6 bases into the intron after coding-DNA position 1880, G replaced by T.
Molecular consequence: intron variant.
Genome position (GRCh38, 1-based): chr10:110,810,468, G>T. VCF-style: chr10-110810468-G-T. GRCh37 (hg19) VCF-style: chr10-112570226-G-T.
Identifiers: ClinVar variation 1413392 (VCV001413392.3), dbSNP rs1210149101, ClinGen allele CA659822594.

ClinVar aggregate classification (germline): Uncertain significance (1 of 4 stars; one submission).

Conditions:
Dilated cardiomyopathy 1DD (CMD1DD). Identifiers: Orphanet 154, MedGen C2750995, MONDO:0013168, OMIM 613172.

Allele frequency attached by ClinVar (database versions not stated): gnomAD exomes below 0.00001; TOPMed below 0.00001; gnomAD 0.00001.
gnomAD v4.1: 2 of 1,545,442 alleles (0.00013%); highest among the groups gnomAD compares: East Asian, 0.0024%; no homozygotes.

Submission:

Labcorp Genetics (formerly Invitae), Labcorp
Classification: Uncertain significance for Dilated cardiomyopathy 1DD. Last evaluated: 2022-03-08. Review status: criteria provided, single submitter. Criteria: Invitae Variant Classification Sherloc (09022015). Collection method: clinical testing. Allele origin: germline.
Comment: This sequence change falls in intron 8 of the RBM20 gene. It does not directly change the encoded amino acid sequence of the RBM20 protein. It affects a nucleotide within the consensus splice site. This variant is not present in population databases (gnomAD no frequency). This variant has not been reported in the literature in individuals affected with RBM20-related conditions. Variants that disrupt the consensus splice site are a relatively common cause of aberrant splicing (PMID: 17576681, 9536098). Algorithms developed to predict the effect of sequence changes on RNA splicing suggest that this variant is not likely to affect RNA splicing. In summary, the available evidence is currently insufficient to determine the role of this variant in disease. Therefore, it has been classified as a Variant of Uncertain Significance.

Literature cited by the submitters: PubMed 17576681; PubMed 9536098.